The following is an entry in ClinVar:

NM_022124.6(CDH23):c.9070G>A (p.Val3024Met)

Gene: CDH23 (cadherin related 23; plus strand). Cytogenetic location: 10q22.1.
Variant type: single nucleotide variant.
Coding change: c.9070G>A on transcript NM_022124.6 (MANE Select); coding-DNA position 9070, G replaced by A.
Protein change: p.Val3024Met; replaces valine 3024 with methionine.
Molecular consequence: missense variant.
Genome position (GRCh38, 1-based): chr10:71,810,562, G>A. VCF-style: chr10-71810562-G-A. GRCh37 (hg19) VCF-style: chr10-73570319-G-A.
Other names: c.2350G>A, p.Val784Met (NM_001171933.1, NM_001171934.1); short protein forms V3024M, V784M.
Identifiers: ClinVar variation 517366 (VCV000517366.10), dbSNP rs370087572, ClinGen allele CA5546853.

ClinVar aggregate classification (germline): Uncertain significance. Review status: criteria provided, multiple submitters, no conflicts (2 of 4 stars). 6 submissions from 6 submitters: Uncertain significance (5). 1 of the submissions does not count toward it. Last evaluated 2026-08-04.

Conditions:
Inborn genetic diseases. Identifiers: MedGen C0950123, MeSH D030342.
Usher syndrome type 1 (USH1). Also called: RETINITIS PIGMENTOSA AND CONGENITAL DEAFNESS. Identifiers: Orphanet 231169, Orphanet 886, MedGen C1568247, MONDO:0010168, OMIM 276900.

Allele frequency attached by ClinVar (database versions not stated): gnomAD 0.00001; gnomAD exomes 0.00002 and 0.00005; TOPMed 0.00004; ExAC 0.00007; ESP Exome Variant Server 0.00008.
gnomAD v4.1: 40 of 1,613,722 alleles (0.0025%); highest among the groups gnomAD compares: Middle Eastern, 0.016%; no homozygotes.

Submissions (6):

GeneDx
Classification: Uncertain significance. Last evaluated: 2026-08-04. Review status: criteria provided, single submitter. Criteria: GeneDx Variant Classification Process June 2021. Collection method: clinical testing. Allele origin: germline.
Comment: Not observed at significant frequency in large population cohorts (gnomAD); In silico analysis suggests that this missense variant does not alter protein structure/function; Has not been previously published as pathogenic or benign to our knowledge

Ambry Genetics
Classification: Uncertain significance for Inborn genetic diseases. Last evaluated: 2025-08-03. Review status: criteria provided, single submitter. Criteria: Ambry Variant Classification Scheme 2023. Collection method: clinical testing. Allele origin: germline.

Blueprint Genetics
Classification: Uncertain significance. Last evaluated: 2022-04-03. Review status: criteria provided, single submitter. Criteria: ACMG Guidelines, 2015. Collection method: clinical testing. Allele origin: germline.

Labcorp Genetics (formerly Invitae), Labcorp
Classification: Uncertain significance. Last evaluated: 2022-03-25. Review status: criteria provided, single submitter. Criteria: Invitae Variant Classification Sherloc (09022015). Collection method: clinical testing. Allele origin: germline.
Comment: This sequence change replaces valine, which is neutral and non-polar, with methionine, which is neutral and non-polar, at codon 3024 of the CDH23 protein (p.Val3024Met). This variant is present in population databases (rs370087572, gnomAD 0.008%). This variant has not been reported in the literature in individuals affected with CDH23-related conditions. ClinVar contains an entry for this variant (Variation ID: 517366). Algorithms developed to predict the effect of missense changes on protein structure and function are either unavailable or do not agree on the potential impact of this missense change (SIFT: "Deleterious"; PolyPhen-2: "Not Available"; Align-GVGD: "Class C0"). In summary, the available evidence is currently insufficient to determine the role of this variant in disease. Therefore, it has been classified as a Variant of Uncertain Significance.

Laboratory for Molecular Medicine, Mass General Brigham Personalized Medicine
Classification: Uncertain significance. Last evaluated: 2017-05-02. Review status: criteria provided, single submitter. Criteria: LMM Criteria. Collection method: clinical testing. Allele origin: germline. Observed: 1 variant allele.
Comment: The p.Val3024Met variant in CDH23 has not been previously reported in individual s with hearing loss, but has been identified in 9/126628 European chromosomes by the Genome Aggregation Database (gnomAD; dbS NP rs370087572). Although this variant has been seen in the general population, its frequency is not high enough to rule out a pathogenic role. Computational pr ediction tools and conservation analysis suggest that this variant may impact th e protein, though this information is not predictive enough to determine pathoge nicity. In summary, the clinical significance of the p.Val3024Met variant is unc ertain.

Natera, Inc.
Classification: Uncertain significance for Usher syndrome type 1. Last evaluated: 2019-10-28. Review status: no assertion criteria provided. Collection method: clinical testing. Allele origin: germline. Not counted in ClinVar's aggregate classification.